The following is an entry in ClinVar:

ClinVar aggregate classification (germline): Uncertain significance (1 of 4 stars; one submission).

Conditions:
Inborn genetic diseases. Identifiers: MedGen C0950123, MeSH D030342.

gnomAD v4.1: 1 of 1,614,168 alleles (0.000062%); highest among the groups gnomAD compares: Non-Finnish European, 0.000085%; no homozygotes.

Submission:

Ambry Genetics
Classification: Uncertain significance for Inborn genetic diseases. Last evaluated: 2026-07-29. Review status: criteria provided, single submitter. Criteria: Ambry Variant Classification Scheme 2023. Collection method: clinical testing. Allele origin: germline.
Comment: The c.2810C>T (p.T937I) alteration is located in exon 17 (coding exon 17) of the CTC1 gene. This alteration results from a C to T substitution at nucleotide position 2810, causing the threonine (T) at amino acid position 937 to be replaced by an isoleucine (I). Based on data from gnomAD, the T allele has an overall frequency of <0.001% (1/249472) total alleles studied. The highest observed frequency was 0.001% (1/113222) of European (non-Finnish) alleles. Based on insufficient or conflicting evidence, the clinical significance of this alteration remains unclear.

NM_025099.6(CTC1):c.2810C>T (p.Thr937Ile)

Gene: CTC1 (CST telomere replication complex component 1; minus strand). Cytogenetic location: 17p13.1.
Variant type: single nucleotide variant.
Coding change: c.2810C>T on transcript NM_025099.6 (MANE Select); coding-DNA position 2810, C replaced by T.
Protein change: p.Thr937Ile; replaces threonine 937 with isoleucine.
Molecular consequence: missense variant. On other transcripts: non-coding transcript variant (1).
Genome position (GRCh38, 1-based): chr17:8,230,417, G>A on the plus strand (C>T on the coding strand, the complement: CTC1 is on the minus strand). VCF-style: chr17-8230417-G-A. GRCh37 (hg19) VCF-style: chr17-8133735-G-A.
Other names: c.2810C>T, p.Thr937Ile (NM_001411067.1); short protein forms T937I.
Identifiers: ClinVar variation 5034978 (VCV005034978.1).